The following is an entry in ClinVar:

NM_177438.3(DICER1):c.2437-16A>G

Gene: DICER1 (dicer 1, ribonuclease III; minus strand). Cytogenetic location: 14q32.13.
Variant type: single nucleotide variant.
Coding change: c.2437-16A>G on transcript NM_177438.3 (MANE Select); 16 bases into the intron before coding-DNA position 2437, A replaced by G.
Molecular consequence: intron variant.
Genome position (GRCh38, 1-based): chr14:95,108,109, T>C on the plus strand (A>G on the coding strand, the complement: DICER1 is on the minus strand). VCF-style: chr14-95108109-T-C. GRCh37 (hg19) VCF-style: chr14-95574446-T-C.
Other names: c.2437-16A>G (NM_001291628.2, NM_030621.4, NM_001395677.1 and 12 more transcripts); c.2032-16A>G (NM_001395690.1, NM_001395687.1, NM_001395689.1 and 2 more transcripts); c.2155-16A>G (NM_001395686.1); c.1870-16A>G (NM_001395691.1); c.754-16A>G (NM_001395697.1).
Identifiers: ClinVar variation 2416922 (VCV002416922.7), dbSNP rs1891618284, ClinGen allele CA966190355.

ClinVar aggregate classification (germline): Likely benign. Review status: criteria provided, multiple submitters, no conflicts (2 of 4 stars). 2 submissions from 2 submitters: Likely benign (2). Last evaluated 2026-08-17.

Conditions:
DICER1-related tumor predisposition. Also called: DICER1-related pleuropulmonary blastoma cancer predisposition syndrome; DICER1 syndrome. Identifiers: Orphanet 284343, MedGen C3839822, MONDO:0100216.

Allele frequency attached by ClinVar (database versions not stated): gnomAD exomes below 0.00001; gnomAD 0.00001; TOPMed below 0.00001.
gnomAD v4.1: 3 of 1,576,726 alleles (0.00019%); highest among the groups gnomAD compares: Non-Finnish European, 0.00017%; no homozygotes.

Submissions (2):

Myriad Genetics, Inc.
Classification: Likely benign for DICER1-related tumor predisposition. Last evaluated: 2026-08-17. Review status: criteria provided, single submitter. Criteria: Myriad Autosomal Dominant, Autosomal Recessive and X-Linked Classification Criteria (2023). Collection method: clinical testing. Allele origin: unknown.
Comment: This variant is considered likely benign. This variant is intronic and is not expected to impact mRNA splicing.

Labcorp Genetics (formerly Invitae), Labcorp
Classification: Likely benign for DICER1-related tumor predisposition. Last evaluated: 2025-02-18. Review status: criteria provided, single submitter. Criteria: Invitae Variant Classification Sherloc (09022015). Collection method: clinical testing. Allele origin: germline.